The following is an entry in ClinVar:

ClinVar aggregate classification (germline): Likely pathogenic (1 of 4 stars; one submission).

Conditions:
Arginase deficiency. Also called: ARGININEMIA; ARG1 DEFICIENCY; Arginase 1 Deficiency. Identifiers: Orphanet 90, MedGen C0268548, MONDO:0008814, OMIM 207800.

Submission:

Myriad Genetics, Inc.
Classification: Likely pathogenic for Arginase deficiency. Last evaluated: 2025-03-19. Review status: criteria provided, single submitter. Criteria: Myriad Autosomal Dominant, Autosomal Recessive and X-Linked Classification Criteria (2023). Collection method: clinical testing. Allele origin: unknown.
Comment: NM_000045.3(ARG1):c.57+1delG is a variant in a canonical splice site classified as likely pathogenic in the context of argininemia. c.57+1delG has not been observed in cases with relevant disease. Relevant functional assessments of this variant are not available in the literature. c.57+1delG has not been observed in referenced population frequency databases. In summary, NM_000045.3(ARG1):c.57+1delG is a variant in a canonical splice site in a gene where loss of function is a known mechanism of disease and is predicted to disrupt protein function. Please note: this variant was assessed in the context of healthy population screening.

NM_000045.4(ARG1):c.57+1del

Gene: ARG1 (arginase 1; plus strand). Cytogenetic location: 6q23.2.
Variant type: Deletion.
Coding change: c.57+1del on transcript NM_000045.4 (MANE Select); the canonical splice donor site of the intron after coding-DNA position 57, one base deleted (G; older notation c.57+1delG).
Molecular consequence: splice donor variant.
Genome position (GRCh38, 1-based): chr6:131,573,340, G deleted; the last of 2 consecutive G bases (chr6:131,573,339-131,573,340); deleting either gives the same sequence. VCF-style (leftmost placement, unchanged base first): chr6-131573338-AG-A. GRCh37 (hg19) VCF-style: chr6-131894478-AG-A.
Other names: c.57+1del (NM_001244438.2, NM_001369020.1).
Identifiers: ClinVar variation 4081744 (VCV004081744.1).
Genomic context (GRCh38, chr6:131,573,338, plus strand): 5'-AGAGCATGAGCGCCAAGTCCAGAACCATAGGGATTATTGGAGCTCCTTTCTCAAAGGGAC[AG>A]GTAAGGAAAAAAGTCTTTCTTTGAATTCCTGGAATTTAGTTGAAAATTTTGGACTTCAAA-3'